The following is an entry in ClinVar:

ClinVar aggregate classification (germline): Uncertain significance (1 of 4 stars; one submission).

Allele frequency attached by ClinVar (database versions not stated): gnomAD exomes below 0.00001.

Submission:

Labcorp Genetics (formerly Invitae), Labcorp
Classification: Uncertain significance. Last evaluated: 2023-09-05. Review status: criteria provided, single submitter. Criteria: Invitae Variant Classification Sherloc (09022015). Collection method: clinical testing. Allele origin: germline.
Comment: In summary, the available evidence is currently insufficient to determine the role of this variant in disease. Therefore, it has been classified as a Variant of Uncertain Significance. An algorithm developed to predict the effect of missense changes on protein structure and function (PolyPhen-2) suggests that this variant is likely to be disruptive. This variant has not been reported in the literature in individuals affected with DSG1-related conditions. This variant is present in population databases (no rsID available, gnomAD 0.0009%). This sequence change replaces leucine, which is neutral and non-polar, with valine, which is neutral and non-polar, at codon 905 of the DSG1 protein (p.Leu905Val).

NM_001942.4(DSG1):c.2713C>G (p.Leu905Val)

Genes: DSG1 (desmoglein 1; plus strand), DSG1-AS1 (DSG1 antisense RNA 1; minus strand). Cytogenetic location: 18q12.1.
Variant type: single nucleotide variant.
Coding change: c.2713C>G on transcript NM_001942.4 (MANE Select); coding-DNA position 2713, C replaced by G.
Protein change: p.Leu905Val; replaces leucine 905 with valine.
Molecular consequence: missense variant.
Genome position (GRCh38, 1-based): chr18:31,354,909, C>G. VCF-style: chr18-31354909-C-G. GRCh37 (hg19) VCF-style: chr18-28934872-C-G.
Other names: short protein forms L905V.
Identifiers: ClinVar variation 2911242 (VCV002911242.3), dbSNP rs1475688568, ClinGen allele CA402124228.